The following is an entry in ClinVar:

ClinVar aggregate classification (germline): Uncertain significance. Review status: criteria provided, multiple submitters, no conflicts (2 of 4 stars). 2 submissions from 2 submitters: Uncertain significance (2). Last evaluated 2025-07-07.

Conditions:
Immunodeficiency, common variable, 10. Also called: IMMUNODEFICIENCY, COMMON VARIABLE, WITH CENTRAL ADRENAL INSUFFICIENCY; DEFICIT IN ANTERIOR PITUITARY FUNCTION AND VARIABLE IMMUNODEFICIENCY. Identifiers: MedGen C3809991, MONDO:0014260, OMIM 615577.

Allele frequency attached by ClinVar (database versions not stated): TOPMed below 0.00001.

Submissions (2):

Labcorp Genetics (formerly Invitae), Labcorp
Classification: Uncertain significance for Immunodeficiency, common variable, 10. Last evaluated: 2025-07-07. Review status: criteria provided, single submitter. Criteria: Invitae Variant Classification Sherloc (09022015). Collection method: clinical testing. Allele origin: germline.
Comment: This sequence change replaces glycine, which is neutral and non-polar, with arginine, which is basic and polar, at codon 404 of the NFKB2 protein (p.Gly404Arg). This variant is not present in population databases (gnomAD no frequency). This variant has not been reported in the literature in individuals affected with NFKB2-related conditions. ClinVar contains an entry for this variant (Variation ID: 1338871). An algorithm developed to predict the effect of missense changes on protein structure and function (PolyPhen-2) suggests that this variant is likely to be disruptive. In summary, the available evidence is currently insufficient to determine the role of this variant in disease. Therefore, it has been classified as a Variant of Uncertain Significance.

GeneDx
Classification: Uncertain significance. Last evaluated: 2021-07-31. Review status: criteria provided, single submitter. Criteria: GeneDx Variant Classification Process June 2021. Collection method: clinical testing. Allele origin: germline. Affected: yes.
Comment: In silico analysis supports that this missense variant does not alter protein structure/function; Has not been previously published as pathogenic or benign to our knowledge

NM_001322934.2(NFKB2):c.1210G>A (p.Gly404Arg)

Genes: NFKB2 (nuclear factor kappa B subunit 2; plus strand), LOC130004599 (ATAC-STARR-seq lymphoblastoid silent region 2756; plus strand). Cytogenetic location: 10q24.32.
Variant type: single nucleotide variant.
Coding change: c.1210G>A on transcript NM_001322934.2 (MANE Select); coding-DNA position 1210, G replaced by A.
Protein change: p.Gly404Arg; replaces glycine 404 with arginine.
Molecular consequence: missense variant.
Genome position (GRCh38, 1-based): chr10:102,399,380, G>A. VCF-style: chr10-102399380-G-A. GRCh37 (hg19) VCF-style: chr10-104159137-G-A.
Other names: c.1210G>A, p.Gly404Arg (NM_001077494.3, NM_001261403.3, NM_001288724.1 and 1 more transcripts); c.1084G>A, p.Gly362Arg (NM_001322935.1); short protein forms G362R, G404R.
Identifiers: ClinVar variation 1338871 (VCV001338871.9), dbSNP rs1257376973, ClinGen allele CA377898928.